The following is an entry in ClinVar:

ClinVar aggregate classification (germline): Pathogenic. Review status: criteria provided, multiple submitters, no conflicts (2 of 4 stars). 2 submissions from 2 submitters: Pathogenic (2). Last evaluated 2025-10-22.
ClinVar aggregate classification (oncogenicity): Likely oncogenic (1 of 4 stars; one submission).

Conditions:
Acute myeloid leukemia (AML). Also called: Leukemia, acute myeloid, somatic; Leukemia, acute myelogenous, somatic; Acute myeloid leukemia, adult; AML adult; Acute non-lymphocytic leukemia; Acute granulocytic leukemia. Identifiers: Orphanet 519, MedGen C0023467, MeSH D015470, MONDO:0018874, OMIM 601626, HP:0004808. Disease mechanism: Constitutively activated FLT3.

Submissions (3):

Center for Virology of Infectious and Tropical Diseases (CVMIT), Mohammed V Military Teaching Hospital
Classification: Likely oncogenic for Acute myeloid leukemia. Last evaluated: 2026-10-16. Review status: criteria provided, single submitter. Criteria: ClinGen/CGC/VICC Guidelines for Oncogenicity, 2022. Collection method: research. Allele origin: somatic. Affected: yes. Observed: 1 variant allele.
Comment: BCOR p.Arg1164Ter. Oncogenicity classified with the ClinGen/CGC/VICC SOP (Horak et al. 2022, PMID:35101336). Criteria applied: OVS1: nonsense variant truncating BCOR; BCOR is a bona fide tumour suppressor with recurrent somatic truncating variants in AML (PMID:22012066); absent from gnomAD v4 (OP4). Total 9 points (Likely oncogenic). ClinVar at analysis (release 2022-07-09, used by Ion Reporter): Variation ID 977207, Pathogenic. Current record: ClinVar VCV000977207.5 (consulted 2026-10-29): germline classification Pathogenic.

GeneDx
Classification: Pathogenic. Last evaluated: 2025-10-22. Review status: criteria provided, single submitter. Criteria: GeneDx Variant Classification Process June 2021. Collection method: clinical testing. Allele origin: germline.
Comment: Nonsense variant predicted to result in protein truncation or nonsense mediated decay in a gene for which loss of function is a known mechanism of disease; Not observed at significant frequency in large population cohorts (gnomAD); This variant is associated with the following publications: (PMID: 36729443, 32883240, 38874774, 35015684, 27525896, 37337769, 25337074, 40799249)

Greenwood Genetic Center Diagnostic Laboratories, Greenwood Genetic Center
Classification: Pathogenic. Last evaluated: 2020-07-27. Review status: criteria provided, single submitter. Criteria: ACMG Guidelines, 2015. Collection method: clinical testing. Allele origin: germline. Affected: yes.
Comment: PVS1, PS2, PS4_Supporting, PM2

Literature cited by the submitters: PubMed 22012066 (cited by Center for Virology of Infectious and Tropical Diseases (CVMIT), Mohammed V Military Teaching Hospital).

NM_001123385.2(BCOR):c.3490C>T (p.Arg1164Ter)

Gene: BCOR (BCL6 corepressor; minus strand). Cytogenetic location: Xp11.4.
Variant type: single nucleotide variant.
Coding change: c.3490C>T on transcript NM_001123385.2 (MANE Select); coding-DNA position 3490, C replaced by T.
Protein change: p.Arg1164Ter; replaces arginine 1164 with a stop codon.
Molecular consequence: nonsense.
Genome position (GRCh38, 1-based): chrX:40,064,348, G>A on the plus strand (C>T on the coding strand, the complement: BCOR is on the minus strand). VCF-style: chrX-40064348-G-A. GRCh37 (hg19) VCF-style: chrX-39923601-G-A.
Other names: c.3490C>T, p.Arg1164Ter (NM_001123383.2, NM_017745.6); c.3436C>T, p.Arg1146Ter (NM_001123384.2); short protein forms R1146*, R1164*.
Identifiers: ClinVar variation 977207 (VCV000977207.6), dbSNP rs1935080744, ClinGen allele CA412738769.